The following is an entry in ClinVar:

NM_001164496.2(CFAP44):c.535C>T (p.Arg179Ter)

Genes: CFAP44 (cilia and flagella associated protein 44; minus strand), CFAP44-AS1 (CFAP44 antisense RNA 1; plus strand), SPICE1-CFAP44 (SPICE1-CFAP44 readthrough (NMD candidate); minus strand). Cytogenetic location: 3q13.2.
Variant type: single nucleotide variant.
Coding change: c.535C>T on transcript NM_001164496.2 (MANE Select); coding-DNA position 535, C replaced by T.
Protein change: p.Arg179Ter; replaces arginine 179 with a stop codon.
Molecular consequence: nonsense.
Genome position (GRCh38, 1-based): chr3:113,420,052, G>A on the plus strand (C>T on the coding strand, the complement: CFAP44 is on the minus strand). VCF-style: chr3-113420052-G-A. GRCh37 (hg19) VCF-style: chr3-113138899-G-A.
Other names: c.535C>T, p.Arg179Ter (NM_018338.3); short protein forms R179*.
Identifiers: ClinVar variation 2055515 (VCV002055515.1), dbSNP rs769673594, ClinGen allele CA2544448.

ClinVar aggregate classification (germline): Pathogenic (1 of 4 stars; one submission).

Allele frequency attached by ClinVar (database versions not stated): ExAC 0.00001; TOPMed 0.00001.

Submission:

Labcorp Genetics (formerly Invitae), Labcorp
Classification: Pathogenic. Last evaluated: 2022-06-28. Review status: criteria provided, single submitter. Criteria: Invitae Variant Classification Sherloc (09022015). Collection method: clinical testing. Allele origin: germline.
Comment: This sequence change creates a premature translational stop signal (p.Arg179*) in the CFAP44 gene. It is expected to result in an absent or disrupted protein product. Loss-of-function variants in CFAP44 are known to be pathogenic (PMID: 29449551). This variant is present in population databases (rs769673594, gnomAD 0.004%). This variant has not been reported in the literature in individuals affected with CFAP44-related conditions. Algorithms developed to predict the effect of sequence changes on RNA splicing suggest that this variant may disrupt the consensus splice site. For these reasons, this variant has been classified as Pathogenic.

Literature cited by the submitters: PubMed 29449551.